The following is an entry in ClinVar:

NM_018489.3(ASH1L):c.884C>A (p.Ala295Glu)

Gene: ASH1L (ASH1 like histone lysine methyltransferase; minus strand). Cytogenetic location: 1q22.
Variant type: single nucleotide variant.
Coding change: c.884C>A on transcript NM_018489.3 (MANE Select); coding-DNA position 884, C replaced by A.
Protein change: p.Ala295Glu; replaces alanine 295 with glutamic acid.
Molecular consequence: missense variant.
Genome position (GRCh38, 1-based): chr1:155,481,986, G>T on the plus strand (C>A on the coding strand, the complement: ASH1L is on the minus strand). VCF-style: chr1-155481986-G-T. GRCh37 (hg19) VCF-style: chr1-155451777-G-T.
Other names: c.884C>A, p.Ala295Glu (NM_001366177.2); short protein forms A295E.
Identifiers: ClinVar variation 1366535 (VCV001366535.8), dbSNP rs1449567875, ClinGen allele CA342740518.

ClinVar aggregate classification (germline): Uncertain significance (1 of 4 stars; one submission).

Allele frequency attached by ClinVar (database versions not stated): gnomAD exomes below 0.00001.

Submission:

Labcorp Genetics (formerly Invitae), Labcorp
Classification: Uncertain significance. Last evaluated: 2021-01-21. Review status: criteria provided, single submitter. Criteria: Invitae Variant Classification Sherloc (09022015). Collection method: clinical testing. Allele origin: germline.
Comment: Algorithms developed to predict the effect of missense changes on protein structure and function are either unavailable or do not agree on the potential impact of this missense change (SIFT: "Deleterious"; PolyPhen-2: "Benign"; Align-GVGD: "Class C0"). In summary, the available evidence is currently insufficient to determine the role of this variant in disease. Therefore, it has been classified as a Variant of Uncertain Significance. This variant has not been reported in the literature in individuals with ASH1L-related conditions. This variant is not present in population databases (ExAC no frequency). This sequence change replaces alanine with glutamic acid at codon 295 of the ASH1L protein (p.Ala295Glu). The alanine residue is moderately conserved and there is a moderate physicochemical difference between alanine and glutamic acid.